The following is an entry in ClinVar:

NM_001134407.3(GRIN2A):c.2595G>A (p.Arg865=)

Gene: GRIN2A (glutamate ionotropic receptor NMDA type subunit 2A; minus strand). Cytogenetic location: 16p13.2.
Variant type: single nucleotide variant.
Coding change: c.2595G>A on transcript NM_001134407.3 (MANE Select); coding-DNA position 2595, G replaced by A.
Protein change: p.Arg865=; no amino-acid change (arginine 865 retained).
Molecular consequence: synonymous variant.
Genome position (GRCh38, 1-based): chr16:9,768,851, C>T on the plus strand (G>A on the coding strand, the complement: GRIN2A is on the minus strand). VCF-style: chr16-9768851-C-T. GRCh37 (hg19) VCF-style: chr16-9862708-C-T.
Other names: c.2595G>A, p.Arg865= (NM_000833.5, NM_001134408.2); c.2595G>A (NM_000833.3).
Identifiers: ClinVar variation 3692384 (VCV003692384.3).
Genomic context (GRCh38, chr16:9,768,851, plus strand): 5'-ACCCAAGCGCTTTTCTAAACCTGCTTGCAGTGCAAGAAAGTAGCCACCCGGTGTACTGAC[C>T]CTGCTGATGGAGAAGAGCAACCCAGGCCGGTCGGAGCACACGCCCGTGAAACAGAAGCGC-3'
Protein context (NP_001127879.1, residues 855-875): DRPGLLFSIS[Arg865=]GIYSCIHGVH

ClinVar aggregate classification (germline): Uncertain significance. Review status: criteria provided, multiple submitters, no conflicts (2 of 4 stars). 2 submissions from 2 submitters: Uncertain significance (2). Last evaluated 2025-06-15.

Conditions:
Landau-Kleffner syndrome (FESD). Also called: EPILEPSY, FOCAL, WITH SPEECH DISORDER AND WITH OR WITHOUT MENTAL RETARDATION; APHASIA, ACQUIRED, WITH EPILEPSY. Identifiers: Orphanet 1945, Orphanet 725, Orphanet 98818, MedGen C0282512, MONDO:0009509, OMIM 245570.

Submissions (2):

GeneDx
Classification: Uncertain significance. Last evaluated: 2025-06-15. Review status: criteria provided, single submitter. Criteria: GeneDx Variant Classification Process June 2021. Collection method: clinical testing. Allele origin: germline. Affected: yes.
Comment: Not observed at significant frequency in large population cohorts (gnomAD); Has not been previously published as pathogenic or benign to our knowledge; In silico analysis is inconclusive as to whether the variant alters gene splicing. In the absence of RNA/functional studies, the actual effect of this sequence change is unknown.

Labcorp Genetics (formerly Invitae), Labcorp
Classification: Uncertain significance for Landau-Kleffner syndrome. Last evaluated: 2025-01-27. Review status: criteria provided, single submitter. Criteria: Invitae Variant Classification Sherloc (09022015). Collection method: clinical testing. Allele origin: germline.
Comment: This sequence change affects codon 865 of the GRIN2A mRNA. It is a 'silent' change, meaning that it does not change the encoded amino acid sequence of the GRIN2A protein. This variant also falls at the last nucleotide of exon 13, which is part of the consensus splice site for this exon. This variant is not present in population databases (gnomAD no frequency). This variant has not been reported in the literature in individuals affected with GRIN2A-related conditions. Variants that disrupt the consensus splice site are a relatively common cause of aberrant splicing (PMID: 17576681, 9536098). Algorithms developed to predict the effect of sequence changes on RNA splicing suggest that this variant may disrupt the consensus splice site. In summary, the available evidence is currently insufficient to determine the role of this variant in disease. Therefore, it has been classified as a Variant of Uncertain Significance.

Literature cited by the submitters: PubMed 17576681 (cited by Labcorp Genetics (formerly Invitae), Labcorp); PubMed 9536098 (cited by Labcorp Genetics (formerly Invitae), Labcorp).